The following is an entry in ClinVar:

ClinVar aggregate classification (germline): Uncertain significance (1 of 4 stars; one submission).

Conditions:
EP300-related disorder. Also called: EP300-related disorders; EP300-related condition.

gnomAD v4.1: 12 of 1,614,142 alleles (0.00074%); highest among the groups gnomAD compares: Non-Finnish European, 0.00093%; no homozygotes.

Submission:

PreventionGenetics, part of Exact Sciences
Classification: Uncertain significance for EP300-related condition. Last evaluated: 2024-12-01. Review status: criteria provided, single submitter. Criteria: ACMG Guidelines, 2015. Collection method: clinical testing. Allele origin: germline.
Comment: The EP300 c.6940C>A variant is predicted to result in the amino acid substitution p.Pro2314Thr. To our knowledge, this variant has not been reported in the literature. This variant is reported in 0.00088% of alleles in individuals of European (Non-Finnish) descent in gnomAD. At this time, the clinical significance of this variant is uncertain due to the absence of conclusive functional and genetic evidence.

NM_001429.4(EP300):c.6940C>A (p.Pro2314Thr)

Gene: EP300 (EP300 lysine acetyltransferase; plus strand). Cytogenetic location: 22q13.2.
Variant type: single nucleotide variant.
Coding change: c.6940C>A on transcript NM_001429.4 (MANE Select); coding-DNA position 6940, C replaced by A.
Protein change: p.Pro2314Thr; replaces proline 2314 with threonine.
Molecular consequence: missense variant.
Genome position (GRCh38, 1-based): chr22:41,178,651, C>A. VCF-style: chr22-41178651-C-A. GRCh37 (hg19) VCF-style: chr22-41574655-C-A.
Other names: c.6862C>A, p.Pro2288Thr (NM_001362843.2); short protein forms P2288T, P2314T.
Identifiers: ClinVar variation 4977957 (VCV004977957.1).
Genomic context (GRCh38, chr22:41,178,651, plus strand): 5'-CTACAAGGCCAGCAGATCCCTAATTCTCTCTCCAATCAAGTGCGCTCTCCCCAGCCTGTC[C>A]CTTCTCCACGGCCACAGTCCCAGCCCCCCCACTCCAGTCCTTCCCCAAGGATGCAGCCTC-3'
Protein context (NP_001420.2, residues 2304-2324): SNQVRSPQPV[Pro2314Thr]SPRPQSQPPH